The following is an entry in ClinVar:

NM_177438.3(DICER1):c.4874C>T (p.Ser1625Phe)

Gene: DICER1 (dicer 1, ribonuclease III; minus strand). Cytogenetic location: 14q32.13.
Variant type: single nucleotide variant.
Coding change: c.4874C>T on transcript NM_177438.3 (MANE Select); coding-DNA position 4874, C replaced by T.
Protein change: p.Ser1625Phe; replaces serine 1625 with phenylalanine.
Molecular consequence: missense variant.
Genome position (GRCh38, 1-based): chr14:95,096,046, G>A on the plus strand (C>T on the coding strand, the complement: DICER1 is on the minus strand). VCF-style: chr14-95096046-G-A. GRCh37 (hg19) VCF-style: chr14-95562383-G-A.
Other names: NM_177438.3(DICER1):c.4874C>T; p.Ser1625Phe; c.4874C>T, p.Ser1625Phe (NM_001195573.1, NM_001271282.3, NM_001291628.2 and 1 more transcripts); short protein forms S1625F.
Identifiers: ClinVar variation 477225 (VCV000477225.12), dbSNP rs864622653, ClinGen allele CA390866574.

ClinVar aggregate classification (germline): Uncertain significance. Review status: reviewed by expert panel (3 of 4 stars). 4 submissions from 4 submitters: Uncertain significance (1). 3 of the submissions do not count toward it. Last evaluated 2026-02-24.

Conditions:
DICER1-related tumor predisposition. Also called: DICER1-related pleuropulmonary blastoma cancer predisposition syndrome; DICER1 syndrome. Identifiers: Orphanet 284343, MedGen C3839822, MONDO:0100216.
Hereditary cancer-predisposing syndrome. Also called: Tumor predisposition; Neoplastic Syndromes, Hereditary; Hereditary Cancer Syndrome; Hereditary neoplastic syndrome. Identifiers: Orphanet 140162, MedGen C0027672, MeSH D009386, MONDO:0015356.

gnomAD v4.1: 1 of 1,614,240 alleles (0.000062%); highest among the groups gnomAD compares: South Asian, 0.0011%; no homozygotes.

Submissions (4):

ClinGen DICER1 and miRNA-Processing Gene Variant Curation Expert Panel, ClinGen
Classification: Uncertain significance for DICER1-related tumor predisposition. Last evaluated: 2026-02-24. Review status: reviewed by expert panel. Criteria: ClinGen DICER1 ACMG Specifications DICER1 V1.4.0. Collection method: curation. Allele origin: germline. Inheritance: Autosomal dominant inheritance.
Comment: The NM_177438.2:c.4874C>T variant in DICER1 is a missense variant predicted to cause substitution of serine by phenylalanine at amino acid 1625 (p.Ser1625Phe). Although this variant has been observed in individuals undergoing genetic sequencing, to our knowledge, this variant has not been reported in individuals with DICER1-related tumor predisposition (PS4 not met; Internal lab contributors). The total allele frequency in gnomAD v4.1.0 is 0.0000006195 (1/1614240 alleles) with a highest population minor allele frequency of 0.00001098 (1/91088 alleles) in South Asian population (PM2_Supporting, BS1, and BA1 are not met). In silico tools predict no damaging impact of the variant on protein function (REVEL: 0.1; MaxEntScan and SpliceAI: no effect on splicing) (BP4). In summary, this variant meets the criteria to be classified as Uncertain Significance for DICER1-related tumor predisposition based on the ACMG/AMP criteria applied, as specified by the ClinGen DICER1 VCEP: PM2_Supporting, BP4. (Bayesian Points: 0; VCEP specifications version 1.4.0; 02/24/2026)

Ambry Genetics
Classification: Uncertain significance for Hereditary cancer-predisposing syndrome. Last evaluated: 2023-01-31. Review status: criteria provided, single submitter. Criteria: Ambry Variant Classification Scheme 2023. Collection method: clinical testing. Allele origin: germline. Not counted in ClinVar's aggregate classification.
Comment: The p.S1625F variant (also known as c.4874C>T), located in coding exon 22 of the DICER1 gene, results from a C to T substitution at nucleotide position 4874. The serine at codon 1625 is replaced by phenylalanine, an amino acid with highly dissimilar properties. This amino acid position is not well conserved in available vertebrate species. In addition, this alteration is predicted to be tolerated by in silico analysis. Since supporting evidence is limited at this time, the clinical significance of this alteration remains unclear.

Labcorp Genetics (formerly Invitae), Labcorp
Classification: Uncertain significance for DICER1-related tumor predisposition. Last evaluated: 2021-11-23. Review status: criteria provided, single submitter. Criteria: Invitae Variant Classification Sherloc (09022015). Collection method: clinical testing. Allele origin: germline. Not counted in ClinVar's aggregate classification.
Comment: This variant has not been reported in the literature in individuals affected with DICER1-related conditions. This sequence change replaces serine, which is neutral and polar, with phenylalanine, which is neutral and non-polar, at codon 1625 of the DICER1 protein (p.Ser1625Phe). This variant is not present in population databases (gnomAD no frequency). ClinVar contains an entry for this variant (Variation ID: 477225). Algorithms developed to predict the effect of missense changes on protein structure and function (SIFT, PolyPhen-2, Align-GVGD) all suggest that this variant is likely to be tolerated. In summary, the available evidence is currently insufficient to determine the role of this variant in disease. Therefore, it has been classified as a Variant of Uncertain Significance.

Sema4
Classification: Uncertain significance for Hereditary cancer-predisposing syndrome. Last evaluated: 2021-04-20. Review status: criteria provided, single submitter. Criteria: Sema4 Curation Guidelines. Collection method: curation. Allele origin: germline. Not counted in ClinVar's aggregate classification.
Comment: The DICER1 c.4874C>T (p.S1625F) variant has not been reported in the literature to our knowledge. It was not observed in the large and broad cohorts of the Genome Aggregation Database (PMID: 32461654). The variant has been reported in ClinVar (Variation ID 477225). In silico tools suggest the impact of the variant on protein function is inconclusive, though these predictions have not been confirmed by functional studies. The evidence is insufficient to meet ACMG/AMP criteria for classifying the variant as benign or pathogenic. Thus, the clinical significance of this variant is currently uncertain.